The following is an entry in ClinVar:

ClinVar aggregate classification (germline): Pathogenic (1 of 4 stars; one submission).

Conditions:
X-linked intellectual disability, Cantagrel type (XLID98). Also called: INTELLECTUAL DEVELOPMENTAL DISORDER, X-LINKED 98. Identifiers: Orphanet 85277, MedGen C3806730, MONDO:0010483, OMIM 300912.

Submission:

Greenwood Genetic Center Diagnostic Laboratories, Greenwood Genetic Center
Classification: Pathogenic for X-linked intellectual disability, Cantagrel type. Last evaluated: 2021-11-05. Review status: criteria provided, single submitter. Criteria: ACMG Guidelines, 2015. Collection method: clinical testing. Allele origin: germline. Affected: yes.
Comment: PVS1, PS2, PM2

NM_001008537.3(NEXMIF):c.792_795del (p.Phe264fs)

Gene: NEXMIF (neurite extension and migration factor; minus strand). Cytogenetic location: Xq13.3.
Variant type: Deletion.
Coding change: c.792_795del on transcript NM_001008537.3 (MANE Select); coding-DNA positions 792 to 795, 4 bases deleted (TATT; older notation c.792_795delTATT).
Protein change: p.Phe264fs; shifts the reading frame from phenylalanine 264.
Molecular consequence: frameshift variant.
Genome position (GRCh38, 1-based): chrX:74,743,762-74,743,765, AATA deleted on the plus strand (TATT on the coding strand, the reverse complement: NEXMIF is on the minus strand); deleting any 4 consecutive bases within chrX:74,743,762-74,743,767 gives the same sequence; the c. name uses the placement nearest the transcript's 3' end. VCF-style (leftmost placement, unchanged base first): chrX-74743761-TAATA-T. GRCh37 (hg19) VCF-style: chrX-73963596-TAATA-T.
Other names: short protein forms F264fs.
Identifiers: ClinVar variation 1334563 (VCV001334563.4), dbSNP rs2147441408, ClinGen allele CA2573055407.